The following is an entry in ClinVar:

NM_001395413.1(POR):c.1492G>A (p.Glu498Lys)

Gene: POR (cytochrome p450 oxidoreductase; plus strand). Cytogenetic location: 7q11.23.
Variant type: single nucleotide variant.
Coding change: c.1492G>A on transcript NM_001395413.1 (MANE Select); coding-DNA position 1492, G replaced by A.
Protein change: p.Glu498Lys; replaces glutamic acid 498 with lysine.
Molecular consequence: missense variant.
Genome position (GRCh38, 1-based): chr7:75,985,681, G>A. VCF-style: chr7-75985681-G-A. GRCh37 (hg19) VCF-style: chr7-75614999-G-A.
Other names: c.1492G>A, p.Glu498Lys (NM_001367562.3, NM_001382657.2, NM_001382658.3 and 1 more transcripts); c.1546G>A, p.Glu516Lys (NM_001382655.3); c.1342G>A, p.Glu448Lys (NM_001382662.3); short protein forms E448K, E498K, E516K.
Identifiers: ClinVar variation 360711 (VCV000360711.8), dbSNP rs782697310, ClinGen allele CA4304161.

ClinVar aggregate classification (germline): Uncertain significance. Review status: criteria provided, multiple submitters, no conflicts (2 of 4 stars). 3 submissions from 3 submitters: Uncertain significance (3). Last evaluated 2026-01-17.

Conditions:
Congenital adrenal hyperplasia due to cytochrome P450 oxidoreductase deficiency. Also called: DISORDERED STEROIDOGENESIS DUE TO POR DEFICIENCY. Identifiers: Orphanet 95699, MedGen C1860042, MONDO:0013310, OMIM 613571.
Inborn genetic diseases. Identifiers: MedGen C0950123, MeSH D030342.

Allele frequency attached by ClinVar (database versions not stated): ExAC 0.00002; gnomAD exomes 0.00003; TOPMed 0.00003; gnomAD 0.00004; 1000 Genomes Project 30x 0.00031.
gnomAD v4.1: 106 of 1,594,288 alleles (0.0066%); highest among the groups gnomAD compares: Non-Finnish European, 0.0085%; no homozygotes.

Submissions (3):

Labcorp Genetics (formerly Invitae), Labcorp
Classification: Uncertain significance for Congenital adrenal hyperplasia due to cytochrome P450 oxidoreductase deficiency. Last evaluated: 2026-01-17. Review status: criteria provided, single submitter. Criteria: Invitae Variant Classification Sherloc (09022015). Collection method: clinical testing. Allele origin: germline.
Comment: This sequence change replaces glutamic acid, which is acidic and polar, with lysine, which is basic and polar, at codon 501 of the POR protein (p.Glu501Lys). This variant is present in population databases (rs782697310, gnomAD 0.006%). This variant has not been reported in the literature in individuals affected with POR-related conditions. ClinVar contains an entry for this variant (Variation ID: 360711). Invitae Evidence Modeling of protein sequence and biophysical properties (such as structural, functional, and spatial information, amino acid conservation, physicochemical variation, residue mobility, and thermodynamic stability) indicates that this missense variant is not expected to disrupt POR protein function with a negative predictive value of 80%. In summary, the available evidence is currently insufficient to determine the role of this variant in disease. Therefore, it has been classified as a Variant of Uncertain Significance.

Ambry Genetics
Classification: Uncertain significance for Inborn genetic diseases. Last evaluated: 2025-10-15. Review status: criteria provided, single submitter. Criteria: Ambry Variant Classification Scheme 2023. Collection method: clinical testing. Allele origin: germline.

Illumina Laboratory Services, Illumina
Classification: Uncertain significance for Congenital adrenal hyperplasia due to cytochrome P450 oxidoreductase deficiency. Last evaluated: 2018-01-13. Review status: criteria provided, single submitter. Criteria: ICSL Variant Classification Criteria 13 December 2019. Collection method: clinical testing. Allele origin: germline.